The following is an entry in ClinVar:

ClinVar aggregate classification (germline): Uncertain significance. Review status: criteria provided, multiple submitters, no conflicts (2 of 4 stars). 7 submissions from 7 submitters: Uncertain significance (6). 1 of the submissions does not count toward it. Last evaluated 2026-05-07.

Conditions:
Retinitis pigmentosa 41 (RP41). Also called: RETINAL DEGENERATION, AUTOSOMAL RECESSIVE, PROMININ-RELATED. Identifiers: Orphanet 791, MedGen C2677516, MONDO:0012796, OMIM 612095.
PROM1-related disorder. Also called: PROM1-related condition; PROM1-related disorders.
Inborn genetic diseases. Identifiers: MedGen C0950123, MeSH D030342.
Retinal dystrophy. Also called: Inherited retinal dystrophy. Identifiers: Orphanet 71862, MedGen C0854723, MeSH D058499, MONDO:0019118, HP:0000556.

Allele frequency attached by ClinVar (database versions not stated): ExAC 0.00010; gnomAD exomes 0.00014; 1000 Genomes Project 30x 0.00016; 1000 Genomes Project 0.00020; gnomAD 0.00022; TOPMed 0.00032; ESP Exome Variant Server 0.00042.
gnomAD v4.1: 206 of 1,613,672 alleles (0.013%); highest among the groups gnomAD compares: Middle Eastern, 0.26%; 1 homozygote.

Submissions (7):

PreventionGenetics, part of Exact Sciences
Classification: Uncertain significance for PROM1-related condition. Last evaluated: 2026-05-07. Review status: criteria provided, single submitter. Criteria: ACMG Guidelines, 2015. Collection method: clinical testing. Allele origin: germline.
Comment: The PROM1 c.1780A>C variant is predicted to result in the amino acid substitution p.Ile594Leu. This variant has been reported along with another PROM1 variant in two individuals with inherited retinal disease (Table S4, Schlottmann et al. 2023. PubMed ID: 37217489; Table 1, Weisschuh et al. 2024. PubMed ID: 37734845). This variant is present in 0.041% of alleles in individuals of African descent in gnomAD, including 1 homozygote in gnomAD v4 (available only on GRCh38). At this time, the clinical significance of this variant is uncertain due to the absence of conclusive functional and genetic evidence.

Labcorp Genetics (formerly Invitae), Labcorp
Classification: Uncertain significance. Last evaluated: 2025-12-26. Review status: criteria provided, single submitter. Criteria: Invitae Variant Classification Sherloc (09022015). Collection method: clinical testing. Allele origin: germline.
Comment: This sequence change replaces isoleucine, which is neutral and non-polar, with leucine, which is neutral and non-polar, at codon 594 of the PROM1 protein (p.Ile594Leu). This variant is present in population databases (rs200507858, gnomAD 0.04%). This missense change has been observed in individual(s) with macular dystrophy/cone dystrophy (PMID: 37217489, 37734845). ClinVar contains an entry for this variant (Variation ID: 802054). Invitae Evidence Modeling of protein sequence and biophysical properties (such as structural, functional, and spatial information, amino acid conservation, physicochemical variation, residue mobility, and thermodynamic stability) indicates that this missense variant is not expected to disrupt PROM1 protein function with a negative predictive value of 80%. In summary, the available evidence is currently insufficient to determine the role of this variant in disease. Therefore, it has been classified as a Variant of Uncertain Significance.

Blueprint Genetics
Classification: Uncertain significance. Last evaluated: 2024-11-13. Review status: criteria provided, single submitter. Criteria: ACMG Guidelines, 2015. Collection method: clinical testing. Allele origin: germline.

Ambry Genetics
Classification: Uncertain significance for Inborn genetic diseases. Last evaluated: 2021-07-06. Review status: criteria provided, single submitter. Criteria: Ambry Variant Classification Scheme 2023. Collection method: clinical testing. Allele origin: germline.

Mendelics
Classification: Uncertain significance for Retinitis pigmentosa 41. Last evaluated: 2019-05-28. Review status: criteria provided, single submitter. Criteria: Mendelics Assertion Criteria 2017. Collection method: clinical testing. Allele origin: unknown.

Breakthrough Genomics
Classification: Uncertain significance. Review status: criteria provided, single submitter. Criteria: ACMG Guidelines, 2015. Collection method: not provided. Allele origin: germline. Inheritance: Autosomal recessive inheritance. Affected: yes.

Institute of Human Genetics, Univ. Regensburg, Univ. Regensburg
Classification: Uncertain significance for Retinal dystrophy. Last evaluated: 2023-01-01. Review status: no assertion criteria provided. Criteria: ACMG Guidelines, 2015. Collection method: clinical testing. Allele origin: germline. Affected: yes. Not counted in ClinVar's aggregate classification.

Literature cited by the submitters: PubMed 37217489 (cited by Labcorp Genetics (formerly Invitae), Labcorp); PubMed 37734845 (cited by Labcorp Genetics (formerly Invitae), Labcorp).

NM_006017.3(PROM1):c.1780A>C (p.Ile594Leu)

Gene: PROM1 (prominin 1; minus strand). Cytogenetic location: 4p15.32.
Variant type: single nucleotide variant.
Coding change: c.1780A>C on transcript NM_006017.3 (MANE Select); coding-DNA position 1780, A replaced by C.
Protein change: p.Ile594Leu; replaces isoleucine 594 with leucine.
Molecular consequence: missense variant.
Genome position (GRCh38, 1-based): chr4:15,992,379, T>G on the plus strand (A>C on the coding strand, the complement: PROM1 is on the minus strand). VCF-style: chr4-15992379-T-G. GRCh37 (hg19) VCF-style: chr4-15994002-T-G.
Other names: c.1753A>C, p.Ile585Leu (NM_001145847.2, NM_001145848.2, NM_001145851.2 and 4 more transcripts); c.1780A>C, p.Ile594Leu (NM_001145849.2, NM_001145850.2); short protein forms I594L, I585L.
Identifiers: ClinVar variation 802054 (VCV000802054.14), dbSNP rs200507858, ClinGen allele CA2866628.